The following is an entry in ClinVar:

NC_000001.10:g.(?_155261527)_(155261748_?)del

Gene: PKLR (pyruvate kinase L/R; minus strand). Cytogenetic location: 1q22.
Variant type: Deletion.
Identifiers: ClinVar variation 2422834 (VCV002422834.3).

ClinVar aggregate classification (germline): Pathogenic (1 of 4 stars; one submission).

Submission:

Labcorp Genetics (formerly Invitae), Labcorp
Classification: Pathogenic. Last evaluated: 2022-07-11. Review status: criteria provided, single submitter. Criteria: Invitae Variant Classification Sherloc (09022015). Collection method: clinical testing. Allele origin: germline.
Comment: This variant is a gross deletion of the genomic region encompassing exon(s) 10 of the PKLR gene. While this deletion is not anticipated to lead to nonsense mediated decay, it is expected to disrupt the C-terminus of the protein. A similar copy number variant has been observed in individual(s) with pyruvate kinase deficiency (PMID: 32043619). This variant disrupts a region of the PKLR protein in which other variant(s) (p.Arg510Gln) have been determined to be pathogenic (PMID: 8483951, 11698298, 18683378, 29396846). This suggests that this is a clinically significant region of the protein, and that variants that disrupt it are likely to be disease-causing. For these reasons, this variant has been classified as Pathogenic.

Literature cited by the submitters: PubMed 32043619; PubMed 8483951; PubMed 11698298; PubMed 18683378; PubMed 29396846.